The following is an entry in ClinVar:

ClinVar aggregate classification (germline): Conflicting classifications of pathogenicity. Review status: criteria provided, conflicting classifications (1 of 4 stars). 3 submissions from 2 submitters: Pathogenic (1); Uncertain significance (2). Last evaluated 2026-07-01.

Conditions:
Rauch-Steindl syndrome (RAUST). Identifiers: Orphanet 659642, MedGen C5562061, MONDO:0859219, OMIM 619695.
4p partial monosomy syndrome (WHS). Also called: CHROMOSOME 4p16.3 DELETION SYNDROME; PITT SYNDROME; Wolf-Hirschhorn syndrome; WITTWER SYNDROME. Identifiers: Orphanet 280, MedGen C1956097, MONDO:0008684, OMIM 194190.

Submissions (3):

Institute of Human Genetics, University of Leipzig Medical Center
Classification: Pathogenic for Rauch-Steindl syndrome. Last evaluated: 2026-07-01. Review status: criteria provided, single submitter. Criteria: ACMG Guidelines, 2015. Collection method: clinical testing. Allele origin: maternal. Inheritance: Autosomal dominant inheritance. Affected: yes.
Comment: Criteria applied: PVS1_RNA,PM2; RNA analysis confirms splice effect: r.2675_2676ins[2675+1_2676-1], p.(Arg892Lysfs*5)

3billion
Classification: Uncertain significance for Rauch-Steindl syndrome. Last evaluated: 2024-07-15. Review status: criteria provided, single submitter. Criteria: ACMG Guidelines, 2015. Collection method: clinical testing. Allele origin: germline. Affected: yes.
Comment: The variant is not observed in the gnomAD v4.0.0 dataset. Predicted Consequence/Location: Missense variant In silico tool predictions suggest damaging effect of the variant on gene or gene product [REVEL: 0.49 (>=0.6, sensitivity 0.68 and specificity 0.92); 3Cnet: 0.89 (>=0.6, sensitivity 0.72 and precision 0.9)]. In silico tools predict the variant to alter splicing and produce an abnormal transcript [Splice AI: 0.65 (>=0.2, moderate evidence for spliceogenicity)]. The variant has been reported as of uncertain significance (ClinVar ID: VCV001285442). Therefore, this variant is classified as VUS according to the recommendation of ACMG/AMP guideline.

Institute of Human Genetics, University of Leipzig Medical Center
Classification: Uncertain significance for 4p partial monosomy syndrome. Last evaluated: 2020-11-06. Review status: criteria provided, single submitter. Criteria: ACMG Guidelines, 2015. Collection method: clinical testing. Allele origin: unknown. Affected: yes.

NM_001042424.3(NSD2):c.2675G>A (p.Arg892Lys)

Gene: NSD2 (nuclear receptor binding SET domain protein 2; plus strand). Cytogenetic location: 4p16.3.
Variant type: single nucleotide variant.
Coding change: c.2675G>A on transcript NM_001042424.3 (MANE Select); coding-DNA position 2675, G replaced by A.
Protein change: p.Arg892Lys; replaces arginine 892 with lysine.
Molecular consequence: missense variant.
Genome position (GRCh38, 1-based): chr4:1,955,849, G>A. VCF-style: chr4-1955849-G-A. GRCh37 (hg19) VCF-style: chr4-1957576-G-A.
Other names: c.2675G>A, p.Arg892Lys (NM_133330.3, NM_133331.3, NM_133335.4); short protein forms R892K.
Identifiers: ClinVar variation 1285442 (VCV001285442.3), dbSNP rs2108958817, ClinGen allele CA355990843.
Genomic context (GRCh38, chr4:1,955,849, plus strand): 5'-GCAGGGCTGGGAAGAAGCTGCACTTCCAGGATATCATTTGGGTGAAACTTGGGAACTACA[G>A]GTGTGAGACATAGAATCGTATGCTTTTATGTCTTTTCTGTTCACATGTGTTCGCTTTACA-3'
Protein context (NP_001035889.1, residues 882-902): DIIWVKLGNY[Arg892Lys]WWPAEVCHPK